The following is an entry in ClinVar:

NM_057175.5(NAA15):c.2101A>G (p.Ile701Val)

Gene: NAA15 (N-alpha-acetyltransferase 15, NatA auxiliary subunit; plus strand). Cytogenetic location: 4q31.1.
Variant type: single nucleotide variant.
Coding change: c.2101A>G on transcript NM_057175.5 (MANE Select); coding-DNA position 2101, A replaced by G.
Protein change: p.Ile701Val; replaces isoleucine 701 with valine.
Molecular consequence: missense variant.
Genome position (GRCh38, 1-based): chr4:139,378,800, A>G. VCF-style: chr4-139378800-A-G. GRCh37 (hg19) VCF-style: chr4-140299954-A-G.
Other names: c.2101A>G, p.Ile701Val (NM_001410842.1); short protein forms I701V.
Identifiers: ClinVar variation 3298253 (VCV003298253.2).
Genomic context (GRCh38, chr4:139,378,800, plus strand): 5'-CTTTCTCTTTTTATAGAAAAGTTTCTTTTGATGCTACAATCAGTAAAGAGGGCATTTGCT[A>G]TTGATTCTAGTCATCCCTGGCTTCATGAGTGTATGATTCGTCTCTTTAATACTGGTATGT-3'
Protein context (NP_476516.1, residues 691-711): MLQSVKRAFA[Ile701Val]DSSHPWLHEC

ClinVar aggregate classification (germline): Uncertain significance. Review status: criteria provided, multiple submitters, no conflicts (2 of 4 stars). 2 submissions from 2 submitters: Uncertain significance (2). Last evaluated 2025-09-10.

Conditions:
Inborn genetic diseases. Identifiers: MedGen C0950123, MeSH D030342.

gnomAD v4.1: 4 of 1,555,838 alleles (0.00026%); highest among the groups gnomAD compares: East Asian, 0.0024%; no homozygotes.

Submissions (2):

Labcorp Genetics (formerly Invitae), Labcorp
Classification: Uncertain significance. Last evaluated: 2025-09-10. Review status: criteria provided, single submitter. Criteria: Invitae Variant Classification Sherloc (09022015). Collection method: clinical testing. Allele origin: germline.
Comment: This sequence change replaces isoleucine, which is neutral and non-polar, with valine, which is neutral and non-polar, at codon 701 of the NAA15 protein (p.Ile701Val). This variant is present in population databases (no rsID available, gnomAD 0.007%). This variant has not been reported in the literature in individuals affected with NAA15-related conditions. ClinVar contains an entry for this variant (Variation ID: 3298253). An algorithm developed to predict the effect of missense changes on protein structure and function (PolyPhen-2) suggests that this variant is likely to be tolerated. In summary, the available evidence is currently insufficient to determine the role of this variant in disease. Therefore, it has been classified as a Variant of Uncertain Significance.

Ambry Genetics
Classification: Uncertain significance for Inborn genetic diseases. Last evaluated: 2024-04-09. Review status: criteria provided, single submitter. Criteria: Ambry Variant Classification Scheme 2023. Collection method: clinical testing. Allele origin: germline.